The following is an entry in ClinVar:

ClinVar aggregate classification (germline): Conflicting classifications of pathogenicity. Review status: criteria provided, conflicting classifications (1 of 4 stars). 3 submissions from 3 submitters: Uncertain significance (1); Benign (1); Likely benign (1). Last evaluated 2026-05-15.

Conditions:
Hereditary cancer-predisposing syndrome. Also called: Tumor predisposition; Hereditary neoplastic syndrome; Neoplastic Syndromes, Hereditary; Hereditary Cancer Syndrome. Identifiers: Orphanet 140162, MedGen C0027672, MeSH D009386, MONDO:0015356.
Neurofibromatosis, type 1 (NF1). Also called: Neurofibromatosis, type I; NEUROFIBROMATOSIS, TYPE I, SOMATIC; VON RECKLINGHAUSEN DISEASE; Peripheral type neurofibromatosis. Identifiers: Orphanet 636, MedGen C0027831, MONDO:0018975, OMIM 162200. Disease mechanism: loss of function.

Allele frequency attached by ClinVar (database versions not stated): gnomAD exomes below 0.00001.
gnomAD v4.1: 2 of 1,612,490 alleles (0.00012%); highest among the groups gnomAD compares: Non-Finnish European, 0.00017%; no homozygotes.

Submissions (3):

Myriad Genetics, Inc.
Classification: Benign for Neurofibromatosis, type 1. Last evaluated: 2026-05-15. Review status: criteria provided, single submitter. Criteria: Myriad Autosomal Dominant, Autosomal Recessive and X-Linked Classification Criteria (2023). Collection method: clinical testing. Allele origin: unknown.
Comment: This variant is considered benign. This variant is a silent/synonymous amino acid change and it is not expected to impact splicing.

Labcorp Genetics (formerly Invitae), Labcorp
Classification: Uncertain significance for Neurofibromatosis, type 1. Last evaluated: 2025-03-26. Review status: criteria provided, single submitter. Criteria: Invitae Variant Classification Sherloc (09022015). Collection method: clinical testing. Allele origin: germline.
Comment: This sequence change affects codon 580 of the NF1 mRNA. It is a 'silent' change, meaning that it does not change the encoded amino acid sequence of the NF1 protein. This variant is not present in population databases (gnomAD no frequency). This variant has not been reported in the literature in individuals affected with NF1-related conditions. ClinVar contains an entry for this variant (Variation ID: 185910). Algorithms developed to predict the effect of sequence changes on RNA splicing suggest that this variant may disrupt the consensus splice site. In summary, the available evidence is currently insufficient to determine the role of this variant in disease. Therefore, it has been classified as a Variant of Uncertain Significance.

Ambry Genetics
Classification: Likely benign for Hereditary cancer-predisposing syndrome. Last evaluated: 2014-08-15. Review status: criteria provided, single submitter. Criteria: Ambry Autosomal Dominant and X-Linked criteria (10/2015). Collection method: clinical testing. Allele origin: germline. Observed: 1 variant allele.

NM_001042492.3(NF1):c.1740C>T (p.Tyr580=)

Gene: NF1 (neurofibromin 1; plus strand). Cytogenetic location: 17q11.2.
Variant type: single nucleotide variant.
Coding change: c.1740C>T on transcript NM_001042492.3 (MANE Select); coding-DNA position 1740, C replaced by T.
Protein change: p.Tyr580=; no amino-acid change (tyrosine 580 retained).
Molecular consequence: synonymous variant.
Genome position (GRCh38, 1-based): chr17:31,223,462, C>T. VCF-style: chr17-31223462-C-T. GRCh37 (hg19) VCF-style: chr17-29550480-C-T.
Other names: c.1740C>T, p.Tyr580= (NM_000267.4).
Identifiers: ClinVar variation 185910 (VCV000185910.5), dbSNP rs786202554, ClinGen allele CA193336.